The following is an entry in ClinVar:

ClinVar aggregate classification (germline): Conflicting classifications of pathogenicity. Review status: criteria provided, conflicting classifications (1 of 4 stars). 6 submissions from 6 submitters: Uncertain significance (5); Likely benign (1). Last evaluated 2026-01-19.

Conditions:
Hereditary breast ovarian cancer syndrome. Also called: BRCA1- and BRCA2-Associated Hereditary Breast and Ovarian Cancer; Hereditary breast and ovarian cancer syndrome (HBOC); Hereditary breast and ovarian cancer syndrome; Breast and ovarian cancer; Hereditary breast and ovarian cancer; Hereditary breast and/or ovarian cancer syndrome. Identifiers: Orphanet 145, MedGen C0677776, MeSH D061325, MONDO:0003582. Disease mechanism: loss of function.
Hereditary cancer-predisposing syndrome. Also called: Hereditary Cancer Syndrome; Hereditary neoplastic syndrome; Neoplastic Syndromes, Hereditary; Tumor predisposition. Identifiers: Orphanet 140162, MedGen C0027672, MeSH D009386, MONDO:0015356.
Breast-ovarian cancer, familial, susceptibility to, 1 (BROVCA1). Also called: OVARIAN CANCER, SUSCEPTIBILITY TO; BRCA1 Hereditary Breast and Ovarian Cancer. Identifiers: Orphanet 145, MedGen C2676676, MONDO:0011450, OMIM 604370. Disease mechanism: loss of function.

Allele frequency attached by ClinVar (database versions not stated): gnomAD exomes below 0.00001.
gnomAD v4.1: 1 of 1,614,076 alleles (0.000062%); highest among the groups gnomAD compares: Admixed American, 0.0017%; no homozygotes.

Submissions (6):

Labcorp Genetics (formerly Invitae), Labcorp
Classification: Uncertain significance for Hereditary breast ovarian cancer syndrome. Last evaluated: 2026-01-19. Review status: criteria provided, single submitter. Criteria: Invitae Variant Classification Sherloc (09022015). Collection method: clinical testing. Allele origin: germline.
Comment: This sequence change replaces glutamic acid, which is acidic and polar, with lysine, which is basic and polar, at codon 1161 of the BRCA1 protein (p.Glu1161Lys). This variant is not present in population databases (gnomAD no frequency). This variant has not been reported in the literature in individuals affected with BRCA1-related conditions. ClinVar contains an entry for this variant (Variation ID: 823822). Invitae Evidence Modeling of protein sequence and biophysical properties (such as structural, functional, and spatial information, amino acid conservation, physicochemical variation, residue mobility, and thermodynamic stability) indicates that this missense variant is not expected to disrupt BRCA1 protein function with a negative predictive value of 80%. In summary, the available evidence is currently insufficient to determine the role of this variant in disease. Therefore, it has been classified as a Variant of Uncertain Significance.

GeneDx
Classification: Uncertain significance. Last evaluated: 2025-07-29. Review status: criteria provided, single submitter. Criteria: GeneDx Variant Classification Process June 2021. Collection method: clinical testing. Allele origin: germline. Affected: yes.
Comment: In silico analysis supports that this missense variant has a deleterious effect on protein structure/function; Not observed at significant frequency in large population cohorts (gnomAD); Also known as 3400G>A; This variant is associated with the following publications: (PMID: 33471991, 37664050)

Ambry Genetics
Classification: Uncertain significance for Hereditary cancer-predisposing syndrome. Last evaluated: 2024-11-08. Review status: criteria provided, single submitter. Criteria: Ambry Variant Classification Scheme 2023. Collection method: clinical testing. Allele origin: germline.
Comment: The p.E1161K variant (also known as c.3481G>A), located in coding exon 9 of the BRCA1 gene, results from a G to A substitution at nucleotide position 3481. The glutamic acid at codon 1161 is replaced by lysine, an amino acid with similar properties. This variant was detected in 0/143 diagnosed with breast cancer and 1/382 diagnosed with ovarian cancer (Ferreyra Y et al. Front Oncol, 2023 Aug;13:1227864). This amino acid position is not well conserved in available vertebrate species. In addition, the in silico prediction for this alteration is inconclusive. Based on the available evidence, the clinical significance of this variant remains unclear.

All of Us Research Program, National Institutes of Health
Classification: Uncertain significance for Breast-ovarian cancer, familial, susceptibility to, 1. Last evaluated: 2023-12-18. Review status: criteria provided, single submitter. Criteria: ACMG Guidelines, 2015. Collection method: clinical testing. Allele origin: germline. Inheritance: Autosomal dominant inheritance. Observed: 1 variant allele, 1 heterozygote.
Comment: This missense variant replaces glutamic acid with lysine at codon 1161 of the BRCA1 protein. Computational prediction is inconclusive regarding the impact of this variant on protein structure and function. To our knowledge, functional studies have not been reported for this variant. This variant has been detected in a breast cancer case-control meta-analysis in 0/60466 cases and 1/53461 unaffected individuals (PMID: 33471991; Leiden Open Variation Database DB-ID BRCA1_006323). This variant has not been identified in the general population by the Genome Aggregation Database (gnomAD). The available evidence is insufficient to determine the role of this variant in disease conclusively. Therefore, this variant is classified as a Variant of Uncertain Significance.

This study involves interpretation of variants in research participants for the purpose of population health screening. Participant phenotype was not available at the time of variant classification. Additional details can be found in publication PMID: 35346344, PMCID: PMC8962531

University of Washington Department of Laboratory Medicine, University of Washington
Classification: Likely benign for Hereditary cancer-predisposing syndrome. Last evaluated: 2023-03-23. Review status: criteria provided, single submitter. Criteria: Dines et al. (Genet Med. 2020). Collection method: curation. Allele origin: germline.
Comment: Missense variant in a coldspot region where missense variants are very unlikely to be pathogenic (PMID:31911673).

BRCA1 coldspot (exon 11 using historical exon numbering). Reclassification based on statistical prior probability

Quest Diagnostics Nichols Institute San Juan Capistrano
Classification: Uncertain significance. Last evaluated: 2020-02-18. Review status: criteria provided, single submitter. Criteria: Quest Diagnostics criteria. Collection method: clinical testing. Allele origin: unknown.

Literature cited by the submitters: PubMed 37664050 (cited by Ambry Genetics); PubMed 33471991 (cited by All of Us Research Program, National Institutes of Health).

NM_007294.4(BRCA1):c.3481G>A (p.Glu1161Lys)

Genes: BRCA1 (BRCA1 DNA repair associated; minus strand), LOC126862571 (BRD4-independent group 4 enhancer GRCh37_chr17:41243136-41244335; plus strand). Cytogenetic location: 17q21.31.
Variant type: single nucleotide variant.
Coding change: c.3481G>A on transcript NM_007294.4 (MANE Select); coding-DNA position 3481, G replaced by A.
Protein change: p.Glu1161Lys; replaces glutamic acid 1161 with lysine.
Molecular consequence: missense variant. On other transcripts: intron variant (135).
Genome position (GRCh38, 1-based): chr17:43,092,050, C>T on the plus strand (G>A on the coding strand, the complement: BRCA1 is on the minus strand). VCF-style: chr17-43092050-C-T. GRCh37 (hg19) VCF-style: chr17-41244067-C-T.
Other names: c.3340G>A, p.Glu1114Lys (NM_001407697.1, NM_001407698.1, NM_001407724.1 and 29 more transcripts); c.3337G>A, p.Glu1113Lys (NM_001407740.1, NM_001407741.1, NM_001407742.1 and 20 more transcripts); c.3268G>A, p.Glu1090Lys (NM_001407853.1, NM_001407894.1, NM_001407895.1 and 9 more transcripts); c.3481G>A, p.Glu1161Lys (NM_001407854.1, NM_001407858.1, NM_001407859.1 and 30 more transcripts); c.3478G>A, p.Glu1160Lys (NM_001407860.1, NM_001407861.1, NM_001407587.1 and 22 more transcripts); c.3280G>A, p.Glu1094Lys (NM_001407862.1); c.3358G>A, p.Glu1120Lys (NM_001407863.1, NM_001407919.1, NM_001407937.1 and 19 more transcripts); c.3277G>A, p.Glu1093Lys (NM_001407874.1, NM_001407875.1); and 41 more; short protein forms E1114K, E1161K, E1073K, E1091K, E1113K, E1135K, E1158K, E1033K.
Identifiers: ClinVar variation 823822 (VCV000823822.18), dbSNP rs786203438, ClinGen allele CA10595017.
Genomic context (GRCh38, chr17:43,092,050, plus strand): 5'-CGCTTTTGCTAAAAACAGCAGAACTTTCCTTAATGTCATTTTCAGCAAAACTAGTATCTT[C>T]CTTTATTTCACCATCATCTAACAGGTCATCAGGTGTCTCAGAACAAACCTGAGATGCATG-3'
Protein context (NP_009225.1, residues 1151-1171): DDLLDDGEIK[Glu1161Lys]DTSFAENDIK